The following is an entry in ClinVar:

NM_170601.5(SIAE):c.58A>G (p.Arg20Gly)

Gene: SIAE (sialic acid acetylesterase; minus strand). Cytogenetic location: 11q24.2.
Variant type: single nucleotide variant.
Coding change: c.58A>G on transcript NM_170601.5 (MANE Select); coding-DNA position 58, A replaced by G.
Protein change: p.Arg20Gly; replaces arginine 20 with glycine.
Molecular consequence: missense variant. On other transcripts: intron variant (1).
Genome position (GRCh38, 1-based): chr11:124,673,651, T>C on the plus strand (A>G on the coding strand, the complement: SIAE is on the minus strand). VCF-style: chr11-124673651-T-C. GRCh37 (hg19) VCF-style: chr11-124543547-T-C.
Other names: c.-39+1607A>G (NM_001199922.2); short protein forms R20G.
Identifiers: ClinVar variation 1721449 (VCV001721449.5), dbSNP rs2496963248, ClinGen allele CA383123172.

ClinVar aggregate classification (germline): Uncertain significance (1 of 4 stars; one submission).

Submission:

Labcorp Genetics (formerly Invitae), Labcorp
Classification: Uncertain significance. Last evaluated: 2022-10-12. Review status: criteria provided, single submitter. Criteria: Invitae Variant Classification Sherloc (09022015). Collection method: clinical testing. Allele origin: germline.
Comment: This sequence change replaces arginine, which is basic and polar, with glycine, which is neutral and non-polar, at codon 20 of the SIAE protein (p.Arg20Gly). In summary, the available evidence is currently insufficient to determine the role of this variant in disease. Therefore, it has been classified as a Variant of Uncertain Significance. Algorithms developed to predict the effect of missense changes on protein structure and function (SIFT, PolyPhen-2, Align-GVGD) all suggest that this variant is likely to be tolerated. This variant has not been reported in the literature in individuals affected with SIAE-related conditions. This variant is not present in population databases (gnomAD no frequency).